The following is an entry in ClinVar:

NM_003301.7(TRHR):c.983G>A (p.Arg328His)

Gene: TRHR (thyrotropin releasing hormone receptor; plus strand). Cytogenetic location: 8q23.1.
Variant type: single nucleotide variant.
Coding change: c.983G>A on transcript NM_003301.7 (MANE Select); coding-DNA position 983, G replaced by A.
Protein change: p.Arg328His; replaces arginine 328 with histidine.
Molecular consequence: missense variant.
Genome position (GRCh38, 1-based): chr8:109,119,241, G>A. VCF-style: chr8-109119241-G-A. GRCh37 (hg19) VCF-style: chr8-110131470-G-A.
Other names: short protein forms R328H.
Identifiers: ClinVar variation 3900833 (VCV003900833.1).

ClinVar aggregate classification (germline): Uncertain significance (1 of 4 stars; one submission).

gnomAD v4.1: 51 of 1,612,800 alleles (0.0032%); highest among the groups gnomAD compares: East Asian, 0.0089%; no homozygotes.

Submission:

GeneDx
Classification: Uncertain significance. Last evaluated: 2024-11-27. Review status: criteria provided, single submitter. Criteria: GeneDx Variant Classification Process June 2021. Collection method: clinical testing. Allele origin: germline. Affected: yes.
Comment: Not observed at significant frequency in large population cohorts (gnomAD); In silico analysis supports that this missense variant has a deleterious effect on protein structure/function; Has not been previously published as pathogenic or benign to our knowledge